The following is an entry in ClinVar:

ClinVar aggregate classification (germline): Conflicting classifications of pathogenicity. Review status: criteria provided, conflicting classifications (1 of 4 stars). 2 submissions from 2 submitters: Uncertain significance (1); Benign (1). Last evaluated 2025-09-09.

Conditions:
Familial adenomatous polyposis 2. Also called: MYH-associated polyposis; Adenomas, multiple colorectal; COLORECTAL ADENOMATOUS POLYPOSIS, AUTOSOMAL RECESSIVE; ADENOMAS, MULTIPLE COLORECTAL, AUTOSOMAL RECESSIVE; MUTYH Polyposis; FAP type 2. Identifiers: Orphanet 220460, Orphanet 247798, MedGen C3272841, MONDO:0012041, OMIM 608456.
Hereditary cancer-predisposing syndrome. Also called: Tumor predisposition; Neoplastic Syndromes, Hereditary; Hereditary Cancer Syndrome; Hereditary neoplastic syndrome. Identifiers: Orphanet 140162, MedGen C0027672, MeSH D009386, MONDO:0015356.

Submissions (2):

Ambry Genetics
Classification: Benign for Hereditary cancer-predisposing syndrome. Last evaluated: 2025-09-09. Review status: criteria provided, single submitter. Criteria: Ambry Variant Classification Scheme 2023. Collection method: clinical testing. Allele origin: germline.

Labcorp Genetics (formerly Invitae), Labcorp
Classification: Uncertain significance for Familial adenomatous polyposis 2. Last evaluated: 2023-04-28. Review status: criteria provided, single submitter. Criteria: Invitae Variant Classification Sherloc (09022015). Collection method: clinical testing. Allele origin: germline.
Comment: This sequence change replaces asparagine, which is neutral and polar, with lysine, which is basic and polar, at codon 357 of the MUTYH protein (p.Asn357Lys). In summary, the available evidence is currently insufficient to determine the role of this variant in disease. Therefore, it has been classified as a Variant of Uncertain Significance. An algorithm developed to predict the effect of missense changes on protein structure and function (PolyPhen-2) suggests that this variant is likely to be disruptive. ClinVar contains an entry for this variant (Variation ID: 1783495). This variant has not been reported in the literature in individuals affected with MUTYH-related conditions. This variant is not present in population databases (gnomAD no frequency).

Literature cited by the submitters: PubMed 40738107 (cited by Ambry Genetics).

NM_001048174.2(MUTYH):c.987C>A (p.Asn329Lys)

Gene: MUTYH (mutY DNA glycosylase; minus strand). Cytogenetic location: 1p34.1.
Variant type: single nucleotide variant.
Coding change: c.987C>A on transcript NM_001048174.2 (MANE Select); coding-DNA position 987, C replaced by A.
Protein change: p.Asn329Lys; replaces asparagine 329 with lysine.
Molecular consequence: missense variant. On other transcripts: non-coding transcript variant (2).
Genome position (GRCh38, 1-based): chr1:45,331,776, G>T on the plus strand (C>A on the coding strand, the complement: MUTYH is on the minus strand). VCF-style: chr1-45331776-G-T. GRCh37 (hg19) VCF-style: chr1-45797448-G-T.
Other names: c.1029C>A, p.Asn343Lys (NM_001407083.1, NM_001407085.1); c.990C>A, p.Asn330Lys (NM_001407086.1, NM_001048172.2, NM_001407071.1 and 1 more transcripts); c.1008C>A, p.Asn336Lys (NM_001407087.1); c.987C>A, p.Asn329Lys (NM_001407088.1, NM_001407089.1, NM_001048171.2 and 6 more transcripts); c.711C>A, p.Asn237Lys (NM_001407091.1, NM_001293192.2, NM_001293196.2); c.1062C>A, p.Asn354Lys (NM_012222.3); c.1071C>A, p.Asn357Lys (NM_001128425.2); c.1032C>A, p.Asn344Lys (NM_001293190.2); and 5 more; short protein forms N214K, N315K, N329K, N301K, N330K, N354K, N316K, N343K.
Identifiers: ClinVar variation 1783495 (VCV001783495.7), dbSNP rs2524011165, ClinGen allele CA340133685.